The following is an entry in ClinVar:

ClinVar aggregate classification (germline): Uncertain significance (1 of 4 stars; one submission).

Submission:

Labcorp Genetics (formerly Invitae), Labcorp
Classification: Uncertain significance. Last evaluated: 2023-10-05. Review status: criteria provided, single submitter. Criteria: Invitae Variant Classification Sherloc (09022015). Collection method: clinical testing. Allele origin: germline.
Comment: This sequence change replaces leucine, which is neutral and non-polar, with valine, which is neutral and non-polar, at codon 766 of the DDX58 protein (p.Leu766Val). This variant is not present in population databases (gnomAD no frequency). This variant has not been reported in the literature in individuals affected with DDX58-related conditions. Advanced modeling of protein sequence and biophysical properties (such as structural, functional, and spatial information, amino acid conservation, physicochemical variation, residue mobility, and thermodynamic stability) performed at Invitae indicates that this missense variant is not expected to disrupt DDX58 protein function. In summary, the available evidence is currently insufficient to determine the role of this variant in disease. Therefore, it has been classified as a Variant of Uncertain Significance.

NM_014314.4(RIGI):c.2296T>G (p.Leu766Val)

Gene: RIGI (RNA sensor RIG-I; minus strand). Cytogenetic location: 9p21.1.
Variant type: single nucleotide variant.
Coding change: c.2296T>G on transcript NM_014314.4 (MANE Select); coding-DNA position 2296, T replaced by G.
Protein change: p.Leu766Val; replaces leucine 766 with valine.
Molecular consequence: missense variant.
Genome position (GRCh38, 1-based): chr9:32,466,331, A>C on the plus strand (T>G on the coding strand, the complement: RIGI is on the minus strand). VCF-style: chr9-32466331-A-C. GRCh37 (hg19) VCF-style: chr9-32466329-A-C.
Other names: c.1852T>G, p.Leu618Val (NM_001385914.1); c.2290T>G, p.Leu764Val (NM_001385907.1); c.2125T>G, p.Leu709Val (NM_001385909.1); c.1855T>G, p.Leu619Val (NM_001385910.1); c.1687T>G, p.Leu563Val (NM_001385912.1); c.2281T>G, p.Leu761Val (NM_001385913.1); short protein forms L618V, L766V, L709V, L619V, L761V, L563V, L764V.
Identifiers: ClinVar variation 3007806 (VCV003007806.3), dbSNP rs2489292841, ClinGen allele CA373145460.